The following is an entry in ClinVar:

NM_001253697.2(ERBIN):c.1845A>C (p.Pro615=)

Gene: ERBIN (erbb2 interacting protein; plus strand). Cytogenetic location: 5q12.3.
Variant type: single nucleotide variant.
Coding change: c.1845A>C on transcript NM_001253697.2 (MANE Select); coding-DNA position 1845, A replaced by C.
Protein change: p.Pro615=; no amino-acid change (proline 615 retained).
Molecular consequence: synonymous variant.
Genome position (GRCh38, 1-based): chr5:66,048,723, A>C. VCF-style: chr5-66048723-A-C. GRCh37 (hg19) VCF-style: chr5-65344551-A-C.
Other names: c.1845A>C (NM_001006600.2); c.1845A>C, p.Pro615= (NM_001006600.3, NM_001253698.2, NM_001253699.2 and 1 more transcripts); c.1833A>C, p.Pro611= (NM_001253701.2).
Identifiers: ClinVar variation 737969 (VCV000737969.12), dbSNP rs144095070, ClinGen allele CA3286360.

ClinVar aggregate classification (germline): Benign/Likely benign. Review status: criteria provided, multiple submitters, no conflicts (2 of 4 stars). 4 submissions from 4 submitters: Benign (2); Likely benign (1). 1 of the submissions does not count toward it. Last evaluated 2026-01-07.

Conditions:
ERBIN-related disorder. Also called: ERBIN-related condition.

Allele frequency attached by ClinVar (database versions not stated): gnomAD exomes 0.00024; ExAC 0.00028; TOPMed 0.00090; 1000 Genomes Project 0.00120; ESP Exome Variant Server 0.00123; 1000 Genomes Project 30x 0.00141.
gnomAD v4.1: 297 of 1,609,064 alleles (0.018%); highest among the groups gnomAD compares: African/African-American, 0.36%; no homozygotes.

Submissions (4):

Labcorp Genetics (formerly Invitae), Labcorp
Classification: Benign. Last evaluated: 2026-01-07. Review status: criteria provided, single submitter. Criteria: Invitae Variant Classification Sherloc (09022015). Collection method: clinical testing. Allele origin: germline.

Blueprint Genetics
Classification: Likely benign. Last evaluated: 2024-10-02. Review status: criteria provided, single submitter. Criteria: ACMG Guidelines, 2015. Collection method: clinical testing. Allele origin: germline.

Breakthrough Genomics
Classification: Benign. Review status: criteria provided, single submitter. Criteria: ACMG Guidelines, 2015. Collection method: not provided. Allele origin: germline. Inheritance: Unknown mechanism. Affected: yes.

PreventionGenetics, part of Exact Sciences
Classification: Likely benign for ERBIN-related condition. Last evaluated: 2022-03-02. Review status: no assertion criteria provided. Collection method: clinical testing. Allele origin: germline. Not counted in ClinVar's aggregate classification.
Comment: This variant is classified as likely benign based on ACMG/AMP sequence variant interpretation guidelines (Richards et al. 2015 PMID: 25741868, with internal and published modifications).